The following is an entry in ClinVar:

NM_006311.4(NCOR1):c.3686G>A (p.Arg1229Gln)

Gene: NCOR1 (nuclear receptor corepressor 1; minus strand). Cytogenetic location: 17p12.
Variant type: single nucleotide variant.
Coding change: c.3686G>A on transcript NM_006311.4 (MANE Select); coding-DNA position 3686, G replaced by A.
Protein change: p.Arg1229Gln; replaces arginine 1229 with glutamine.
Molecular consequence: missense variant.
Genome position (GRCh38, 1-based): chr17:16,073,554, C>T on the plus strand (G>A on the coding strand, the complement: NCOR1 is on the minus strand). VCF-style: chr17-16073554-C-T. GRCh37 (hg19) VCF-style: chr17-15976868-C-T.
Other names: c.3734G>A, p.Arg1245Gln (NM_001190440.2); short protein forms R1229Q, R1245Q.
Identifiers: ClinVar variation 3035259 (VCV003035259.2), dbSNP rs139458532, ClinGen allele CA8408662.

ClinVar aggregate classification (germline): Likely benign (0 of 4 stars; one submission).

Conditions:
NCOR1-related disorder. Also called: NCOR1-related condition.

Allele frequency attached by ClinVar (database versions not stated): ESP Exome Variant Server 0.00062; 1000 Genomes Project 0.00100; 1000 Genomes Project 30x 0.00109.
gnomAD v4.1: 1,636 of 1,607,054 alleles (0.1%); highest among the groups gnomAD compares: Middle Eastern, 0.31%; 3 homozygotes.

Submission:

PreventionGenetics, part of Exact Sciences
Classification: Likely benign for NCOR1-related condition. Last evaluated: 2023-06-05. Review status: no assertion criteria provided. Collection method: clinical testing. Allele origin: germline.
Comment: This variant is classified as likely benign based on ACMG/AMP sequence variant interpretation guidelines (Richards et al. 2015 PMID: 25741868, with internal and published modifications).